The following continues an entry in ClinVar:

NM_182961.4(SYNE1):c.23315G>A (p.Arg7772Gln)

Gene: SYNE1. ClinVar aggregate classification (germline): Conflicting classifications of pathogenicity. Uncertain significance (1); Benign (4); Likely benign (8).

Submissions 21 to 33 of 33:

Dr. Peter K. Rogan Lab, Western University
No classification provided (evidence only). Condition: Acute myeloid leukemia. Review status: no classification provided. Collection method: in vitro. Allele origin: not applicable. Functional consequence: retained intron. Not counted in ClinVar's aggregate classification.

Dr. Peter K. Rogan Lab, Western University
No classification provided (evidence only). Condition: Acute myeloid leukemia. Review status: no classification provided. Collection method: in vitro. Allele origin: not applicable. Functional consequence: retained intron. Not counted in ClinVar's aggregate classification.

Dr. Peter K. Rogan Lab, Western University
No classification provided (evidence only). Condition: Acute myeloid leukemia. Review status: no classification provided. Collection method: in vitro. Allele origin: not applicable. Functional consequence: retained intron. Not counted in ClinVar's aggregate classification.

Dr. Peter K. Rogan Lab, Western University
No classification provided (evidence only). Condition: Colorectal cancer. Review status: no classification provided. Collection method: in vitro. Allele origin: not applicable. Functional consequence: retained intron. Not counted in ClinVar's aggregate classification.

Dr. Peter K. Rogan Lab, Western University
No classification provided (evidence only). Condition: Thyroid cancer, nonmedullary, 1. Review status: no classification provided. Collection method: in vitro. Allele origin: not applicable. Functional consequence: retained intron. Not counted in ClinVar's aggregate classification.

Dr. Peter K. Rogan Lab, Western University
No classification provided (evidence only). Condition: Thyroid cancer, nonmedullary, 1. Review status: no classification provided. Collection method: in vitro. Allele origin: not applicable. Functional consequence: skipped exon, retained intron. Not counted in ClinVar's aggregate classification.

Dr. Peter K. Rogan Lab, Western University
No classification provided (evidence only). Condition: Sarcoma. Review status: no classification provided. Collection method: in vitro. Allele origin: not applicable. Functional consequence: retained intron. Not counted in ClinVar's aggregate classification.

Dr. Peter K. Rogan Lab, Western University
No classification provided (evidence only). Condition: Ovarian serous cystadenocarcinoma. Review status: no classification provided. Collection method: in vitro. Allele origin: not applicable. Functional consequence: retained intron. Not counted in ClinVar's aggregate classification.

Dr. Peter K. Rogan Lab, Western University
No classification provided (evidence only). Condition: Gastric cancer. Review status: no classification provided. Collection method: in vitro. Allele origin: not applicable. Functional consequence: retained intron. Not counted in ClinVar's aggregate classification.

Dr. Peter K. Rogan Lab, Western University
No classification provided (evidence only). Condition: Adrenocortical carcinoma, hereditary. Review status: no classification provided. Collection method: in vitro. Allele origin: not applicable. Functional consequence: retained intron. Not counted in ClinVar's aggregate classification.

Dr. Peter K. Rogan Lab, Western University
No classification provided (evidence only). Condition: Adrenocortical carcinoma, hereditary. Review status: no classification provided. Collection method: in vitro. Allele origin: not applicable. Functional consequence: retained intron. Not counted in ClinVar's aggregate classification.

Dr. Peter K. Rogan Lab, Western University
No classification provided (evidence only). Condition: Uveal melanoma. Review status: no classification provided. Collection method: in vitro. Allele origin: not applicable. Functional consequence: retained intron. Not counted in ClinVar's aggregate classification.

Dr. Peter K. Rogan Lab, Western University
No classification provided (evidence only). Condition: Malignant tumor of esophagus. Review status: no classification provided. Collection method: in vitro. Allele origin: not applicable. Functional consequence: retained intron. Not counted in ClinVar's aggregate classification.

Literature cited by the submitters: PubMed 31692161 (cited by Women's Health and Genetics/Laboratory Corporation of America, LabCorp); PubMed 29625556 (cited by Athena Diagnostics); PubMed 29961767 (cited by Athena Diagnostics); PubMed 30029642 (cited by Athena Diagnostics); PubMed 26770814 (cited by Athena Diagnostics); PubMed 25401298 (cited by Athena Diagnostics).